The following is an entry in ClinVar:

ClinVar aggregate classification (germline): Pathogenic. Review status: criteria provided, multiple submitters, no conflicts (2 of 4 stars). 3 submissions from 3 submitters: Pathogenic (3). Last evaluated 2024-11-07.

Conditions:
Neurofibromatosis, type 1 (NF1). Also called: Neurofibromatosis, type I; VON RECKLINGHAUSEN DISEASE; Peripheral type neurofibromatosis; NEUROFIBROMATOSIS, TYPE I, SOMATIC. Identifiers: Orphanet 636, MedGen C0027831, MONDO:0018975, OMIM 162200. Disease mechanism: loss of function.

Submissions (3):

3billion
Classification: Pathogenic for Neurofibromatosis, type 1. Last evaluated: 2024-11-07. Review status: criteria provided, single submitter. Criteria: ACMG Guidelines, 2015. Collection method: clinical testing. Allele origin: germline. Affected: yes.
Comment: The variant is not observed in the gnomAD v4.1.0 dataset. Predicted Consequence/Location: Frameshift: predicted to result in a loss or disruption of normal protein function through nonsense-mediated decay (NMD) or protein truncation. Multiple pathogenic variants are reported downstream of the variant. The variant has been reported to be associated with NF1 related disorder (ClinVar ID: VCV000856053). Therefore, this variant is classified as Pathogenic according to the recommendation of ACMG/AMP guideline.

Labcorp Genetics (formerly Invitae), Labcorp
Classification: Pathogenic for Neurofibromatosis, type 1. Last evaluated: 2023-09-19. Review status: criteria provided, single submitter. Criteria: Invitae Variant Classification Sherloc (09022015). Collection method: clinical testing. Allele origin: germline.
Comment: For these reasons, this variant has been classified as Pathogenic. ClinVar contains an entry for this variant (Variation ID: 856053). This variant has not been reported in the literature in individuals affected with NF1-related conditions. This variant is not present in population databases (gnomAD no frequency). This sequence change creates a premature translational stop signal (p.His1487Thrfs*22) in the NF1 gene. It is expected to result in an absent or disrupted protein product. Loss-of-function variants in NF1 are known to be pathogenic (PMID: 10712197, 23913538).

Juno Genomics, Hangzhou Juno Genomics, Inc
Classification: Pathogenic for Neurofibromatosis, type 1. Review status: criteria provided, single submitter. Criteria: ACMG Guidelines, 2015. Collection method: clinical testing. Allele origin: germline. Affected: yes.
Comment: Absent from controls (or at extremely low frequency if recessive) in Genome Aggregation Database, Exome Sequencing Project, 1000 Genomes Project, or Exome Aggregation Consortium.;Null variant in a gene where loss of function (LOF) is a known mechanism of disease.;Patient's phenotype or family history is highly specific for a disease with a single genetic etiology.

Literature cited by the submitters: PubMed 10712197 (cited by Labcorp Genetics (formerly Invitae), Labcorp); PubMed 23913538 (cited by Labcorp Genetics (formerly Invitae), Labcorp).

NM_001042492.3(NF1):c.4521dup (p.His1508fs)

Gene: NF1 (neurofibromin 1; plus strand). Cytogenetic location: 17q11.2.
Variant type: Duplication.
Coding change: c.4521dup on transcript NM_001042492.3 (MANE Select); coding-DNA position 4521, one base duplicated (A; older notation c.4521dupA).
Protein change: p.His1508fs; shifts the reading frame from histidine 1508.
Molecular consequence: frameshift variant.
Genome position (GRCh38, 1-based): chr17:31,260,459, A duplicated. VCF-style (leftmost placement, unchanged base first): chr17-31260458-T-TA. GRCh37 (hg19) VCF-style: chr17-29587476-T-TA.
Other names: c.4458dup, p.His1487Thrfs (NM_000267.4); short protein forms H1487fs, H1508fs.
Identifiers: ClinVar variation 856053 (VCV000856053.9), dbSNP rs2067664784, ClinGen allele CA916080603.